The following is an entry in ClinVar:

NM_000057.4(BLM):c.3308T>C (p.Val1103Ala)

Gene: BLM (BLM RecQ like helicase; plus strand). Cytogenetic location: 15q26.1.
Variant type: single nucleotide variant.
Coding change: c.3308T>C on transcript NM_000057.4 (MANE Select); coding-DNA position 3308, T replaced by C.
Protein change: p.Val1103Ala; replaces valine 1103 with alanine.
Molecular consequence: missense variant.
Genome position (GRCh38, 1-based): chr15:90,798,287, T>C. VCF-style: chr15-90798287-T-C. GRCh37 (hg19) VCF-style: chr15-91341517-T-C.
Other names: c.3308T>C, p.Val1103Ala (NM_001287246.2, NM_001287247.2); c.2183T>C, p.Val728Ala (NM_001287248.2); short protein forms V1103A, V728A.
Identifiers: ClinVar variation 660034 (VCV000660034.14), dbSNP rs1481919924, ClinGen allele CA393847311.
Genomic context (GRCh38, chr15:90,798,287, plus strand): 5'-GTATTGTAAGATTTGTTCAAGAACATAGTTCATCACAAGGAATGAGAAATATAAAACATG[T>C]AGGTCCTTCTGGAAGATTTACTATGAATATGCTGGTCGACATTTTCTTGGGTAAGTCATC-3'
Protein context (NP_000048.1, residues 1093-1113): SSQGMRNIKH[Val1103Ala]GPSGRFTMNM

ClinVar aggregate classification (germline): Conflicting classifications of pathogenicity. Review status: criteria provided, conflicting classifications (1 of 4 stars). 3 submissions from 3 submitters: Uncertain significance (1); Likely benign (1). 1 of the submissions does not count toward it. Last evaluated 2025-11-02.

Conditions:
Hereditary cancer-predisposing syndrome. Also called: Hereditary neoplastic syndrome; Neoplastic Syndromes, Hereditary; Hereditary Cancer Syndrome; Tumor predisposition. Identifiers: Orphanet 140162, MedGen C0027672, MeSH D009386, MONDO:0015356.
Bloom syndrome (BLM). Also called: Bloom-Torre-Machacek syndrome. Identifiers: Orphanet 125, MedGen C0005859, MONDO:0008876, OMIM 210900.

Allele frequency attached by ClinVar (database versions not stated): gnomAD exomes 0.00001.

Submissions (3):

Labcorp Genetics (formerly Invitae), Labcorp
Classification: Uncertain significance for Bloom syndrome. Last evaluated: 2025-11-02. Review status: criteria provided, single submitter. Criteria: Invitae Variant Classification Sherloc (09022015). Collection method: clinical testing. Allele origin: germline.
Comment: This sequence change replaces valine, which is neutral and non-polar, with alanine, which is neutral and non-polar, at codon 1103 of the BLM protein (p.Val1103Ala). This variant is present in population databases (no rsID available, gnomAD 0.004%). This variant has not been reported in the literature in individuals affected with BLM-related conditions. ClinVar contains an entry for this variant (Variation ID: 660034). An algorithm developed to predict the effect of missense changes on protein structure and function outputs the following: PolyPhen-2: "Benign". The alanine amino acid residue is found in multiple mammalian species, which suggests that this missense change does not adversely affect protein function. In summary, the available evidence is currently insufficient to determine the role of this variant in disease. Therefore, it has been classified as a Variant of Uncertain Significance.

Ambry Genetics
Classification: Likely benign for Hereditary cancer-predisposing syndrome. Last evaluated: 2024-04-04. Review status: criteria provided, single submitter. Criteria: Ambry Variant Classification Scheme 2023. Collection method: clinical testing. Allele origin: germline.

Natera, Inc.
Classification: Uncertain significance for Bloom syndrome. Last evaluated: 2020-09-16. Review status: no assertion criteria provided. Collection method: clinical testing. Allele origin: germline. Not counted in ClinVar's aggregate classification.